The following is an entry in ClinVar:

NM_001134363.3(RBM20):c.2717A>G (p.Glu906Gly)

Gene: RBM20 (RNA binding motif protein 20; plus strand). Cytogenetic location: 10q25.2.
Variant type: single nucleotide variant.
Coding change: c.2717A>G on transcript NM_001134363.3 (MANE Select); coding-DNA position 2717, A replaced by G.
Protein change: p.Glu906Gly; replaces glutamic acid 906 with glycine.
Molecular consequence: missense variant.
Genome position (GRCh38, 1-based): chr10:110,821,336, A>G. VCF-style: chr10-110821336-A-G. GRCh37 (hg19) VCF-style: chr10-112581094-A-G.
Other names: short protein forms E906G.
Identifiers: ClinVar variation 4802660 (VCV004802660.1).

ClinVar aggregate classification (germline): Uncertain significance (1 of 4 stars; one submission).

Conditions:
Dilated cardiomyopathy 1DD (CMD1DD). Identifiers: Orphanet 154, MedGen C2750995, MONDO:0013168, OMIM 613172.

Submission:

Labcorp Genetics (formerly Invitae), Labcorp
Classification: Uncertain significance for Dilated cardiomyopathy 1DD. Last evaluated: 2025-11-21. Review status: criteria provided, single submitter. Criteria: Invitae Variant Classification Sherloc (09022015). Collection method: clinical testing. Allele origin: germline.
Comment: This sequence change replaces glutamic acid, which is acidic and polar, with glycine, which is neutral and non-polar, at codon 906 of the RBM20 protein (p.Glu906Gly). This variant is not present in population databases (gnomAD no frequency). This variant has not been reported in the literature in individuals affected with RBM20-related conditions. Invitae Evidence Modeling of protein sequence and biophysical properties (such as structural, functional, and spatial information, amino acid conservation, physicochemical variation, residue mobility, and thermodynamic stability) has been performed for this missense variant. However, the output from this modeling did not meet the statistical confidence thresholds required to predict the impact of this variant on RBM20 protein function. In summary, the available evidence is currently insufficient to determine the role of this variant in disease. Therefore, it has been classified as a Variant of Uncertain Significance.